The following is an entry in ClinVar:

NM_001205293.3(CACNA1E):c.1696T>C (p.Phe566Leu)

Gene: CACNA1E (calcium voltage-gated channel subunit alpha1 E; plus strand). Cytogenetic location: 1q25.3.
Variant type: single nucleotide variant.
Coding change: c.1696T>C on transcript NM_001205293.3 (MANE Select); coding-DNA position 1696, T replaced by C.
Protein change: p.Phe566Leu; replaces phenylalanine 566 with leucine.
Molecular consequence: missense variant.
Genome position (GRCh38, 1-based): chr1:181,719,808, T>C. VCF-style: chr1-181719808-T-C. GRCh37 (hg19) VCF-style: chr1-181688944-T-C.
Other names: c.1696T>C, p.Phe566Leu (NM_000721.4, NM_001205294.2); short protein forms F566L.
Identifiers: ClinVar variation 1213689 (VCV001213689.8), dbSNP rs377297262, ClinGen allele CA1275176.
Genomic context (GRCh38, chr1:181,719,808, plus strand): 5'-TAGGTCACAGTGGGCAGTATCTTTGAAGTGGTCTGGGCAATCTTCAGACCTGGTACGTCT[T>C]TTGGAATCAGTGTCTTGCGAGCCCTCCGGCTTCTAAGAATATTTAAAATAACCAAGTAAG-3'
Protein context (NP_001192222.1, residues 556-576): VWAIFRPGTS[Phe566Leu]GISVLRALRL

ClinVar aggregate classification (germline): Uncertain significance. Review status: criteria provided, multiple submitters, no conflicts (2 of 4 stars). 3 submissions from 3 submitters: Uncertain significance (3). Last evaluated 2024-02-17.

Conditions:
Developmental and epileptic encephalopathy, 69. Also called: EPILEPTIC ENCEPHALOPATHY, EARLY INFANTILE, 69. Identifiers: MedGen C4748988, MONDO:0032657, OMIM 618285.

Allele frequency attached by ClinVar (database versions not stated): gnomAD 0.00001; gnomAD exomes 0.00001; ExAC 0.00002; TOPMed 0.00002; ESP Exome Variant Server 0.00008.
gnomAD v4.1: 2 of 1,604,996 alleles (0.00012%); highest among the groups gnomAD compares: African/African-American, 0.0013%; no homozygotes.

Submissions (3):

Labcorp Genetics (formerly Invitae), Labcorp
Classification: Uncertain significance. Last evaluated: 2024-02-17. Review status: criteria provided, single submitter. Criteria: Invitae Variant Classification Sherloc (09022015). Collection method: clinical testing. Allele origin: germline.
Comment: This sequence change replaces phenylalanine, which is neutral and non-polar, with leucine, which is neutral and non-polar, at codon 566 of the CACNA1E protein (p.Phe566Leu). The frequency data for this variant in the population databases is considered unreliable, as metrics indicate poor data quality at this position in the gnomAD database. This variant has not been reported in the literature in individuals affected with CACNA1E-related conditions. ClinVar contains an entry for this variant (Variation ID: 1213689). Advanced modeling of protein sequence and biophysical properties (such as structural, functional, and spatial information, amino acid conservation, physicochemical variation, residue mobility, and thermodynamic stability) has been performed at Invitae for this missense variant, however the output from this modeling did not meet the statistical confidence thresholds required to predict the impact of this variant on CACNA1E protein function. In summary, the available evidence is currently insufficient to determine the role of this variant in disease. Therefore, it has been classified as a Variant of Uncertain Significance.

Genome-Nilou Lab
Classification: Uncertain significance for Developmental and epileptic encephalopathy, 69. Last evaluated: 2023-04-11. Review status: criteria provided, single submitter. Criteria: ACMG Guidelines, 2015. Collection method: clinical testing. Allele origin: germline. Affected: no.

New York Genome Center
Classification: Uncertain significance for Developmental and epileptic encephalopathy, 69. Last evaluated: 2020-09-23. Review status: criteria provided, single submitter. Criteria: NYGC Assertion Criteria 2020. Collection method: clinical testing. Allele origin: de novo. Observed: 1 heterozygote. Study: CSER-NYCKidSeq.
Comment: The heterozygous c.1696T>C (p.Phe566Leu) variant identified has not been reported in affected individuals in the literature. The variant has 0.00001314 allele frequency in the gnomAD(v3) database (2 out of 152,186 heterozygous alleles) indicating it is an extremely rare allele in the populations represented in this database. The variant affects an evolutionarily conserved reside and is predicted deleterious by in silico prediction tools (CADD score = 27.6, REVEL score = 0.894). Based on the available evidence, the c.1696T>C (p.Phe566Leu) variant in the CACNA1E gene is assessed as a variant of uncertain significance.